The following is an entry in ClinVar:

ClinVar aggregate classification (germline): Uncertain significance. Review status: criteria provided, multiple submitters, no conflicts (2 of 4 stars). 3 submissions from 3 submitters: Uncertain significance (2). 1 of the submissions does not count toward it. Last evaluated 2022-06-15.

Conditions:
Cohen syndrome (COH1). Also called: Cutis verticis gyrata, retinitis pigmentosa, and sensorineural deafness; PEPPER SYNDROME. Identifiers: Orphanet 193, MedGen C0265223, MONDO:0008999, OMIM 216550.

Allele frequency attached by ClinVar (database versions not stated): ExAC 0.00001; gnomAD 0.00001; TOPMed 0.00002; ESP Exome Variant Server 0.00008.
gnomAD v4.1: 1 of 1,612,828 alleles (0.000062%); highest among the groups gnomAD compares: African/African-American, 0.0013%; no homozygotes.

Submissions (3):

Labcorp Genetics (formerly Invitae), Labcorp
Classification: Uncertain significance for Cohen syndrome. Last evaluated: 2022-06-15. Review status: criteria provided, single submitter. Criteria: Invitae Variant Classification Sherloc (09022015). Collection method: clinical testing. Allele origin: germline.
Comment: This sequence change replaces valine, which is neutral and non-polar, with alanine, which is neutral and non-polar, at codon 3593 of the VPS13B protein (p.Val3593Ala). This variant is present in population databases (rs376964635, gnomAD 0.007%). This variant has not been reported in the literature in individuals affected with VPS13B-related conditions. ClinVar contains an entry for this variant (Variation ID: 1005778). Algorithms developed to predict the effect of missense changes on protein structure and function are either unavailable or do not agree on the potential impact of this missense change (SIFT: "Not Available"; PolyPhen-2: "Benign"; Align-GVGD: "Not Available"). In summary, the available evidence is currently insufficient to determine the role of this variant in disease. Therefore, it has been classified as a Variant of Uncertain Significance.

Blueprint Genetics
Classification: Uncertain significance. Last evaluated: 2021-07-19. Review status: criteria provided, single submitter. Criteria: ACMG Guidelines, 2015. Collection method: clinical testing. Allele origin: germline.

Natera, Inc.
Classification: Uncertain significance for Cohen syndrome. Last evaluated: 2020-07-10. Review status: no assertion criteria provided. Collection method: clinical testing. Allele origin: germline. Not counted in ClinVar's aggregate classification.

NM_152564.5(VPS13B):c.10703T>C (p.Val3568Ala)

Gene: VPS13B (vacuolar protein sorting 13 homolog B; plus strand). Cytogenetic location: 8q22.2.
Variant type: single nucleotide variant.
Coding change: c.10703T>C on transcript NM_152564.5 (MANE Select); coding-DNA position 10703, T replaced by C.
Protein change: p.Val3568Ala; replaces valine 3568 with alanine.
Molecular consequence: missense variant.
Genome position (GRCh38, 1-based): chr8:99,854,092, T>C. VCF-style: chr8-99854092-T-C. GRCh37 (hg19) VCF-style: chr8-100866320-T-C.
Other names: c.10778T>C, p.Val3593Ala (NM_017890.5); short protein forms V3568A, V3593A.
Identifiers: ClinVar variation 1005778 (VCV001005778.10), dbSNP rs376964635, ClinGen allele CA4825003.